The following is an entry in ClinVar:

NM_199355.4(ADAMTS18):c.2690A>G (p.Lys897Arg)

Gene: ADAMTS18 (ADAM metallopeptidase with thrombospondin type 1 motif 18; minus strand). Cytogenetic location: 16q23.1.
Variant type: single nucleotide variant.
Coding change: c.2690A>G on transcript NM_199355.4 (MANE Select); coding-DNA position 2690, A replaced by G.
Protein change: p.Lys897Arg; replaces lysine 897 with arginine.
Molecular consequence: missense variant.
Genome position (GRCh38, 1-based): chr16:77,297,400, T>C on the plus strand (A>G on the coding strand, the complement: ADAMTS18 is on the minus strand). VCF-style: chr16-77297400-T-C. GRCh37 (hg19) VCF-style: chr16-77331297-T-C.
Other names: c.2174A>G, p.Lys725Arg (NM_001326358.2); short protein forms K897R, K725R.
Identifiers: ClinVar variation 2054027 (VCV002054027.2), dbSNP rs762815250, ClinGen allele CA8180780.

ClinVar aggregate classification (germline): Uncertain significance (1 of 4 stars; one submission).

Allele frequency attached by ClinVar (database versions not stated): ExAC 0.00001.
gnomAD v4.1: 4 of 1,612,904 alleles (0.00025%); highest among the groups gnomAD compares: South Asian, 0.0044%; no homozygotes.

Submissions (2):

Labcorp Genetics (formerly Invitae), Labcorp
Classification: Uncertain significance. Last evaluated: 2022-03-22. Review status: criteria provided, single submitter. Criteria: Invitae Variant Classification Sherloc (09022015). Collection method: clinical testing. Allele origin: germline.
Comment: This sequence change replaces lysine, which is basic and polar, with arginine, which is basic and polar, at codon 897 of the ADAMTS18 protein (p.Lys897Arg). This variant is not present in population databases (gnomAD no frequency). This variant has not been reported in the literature in individuals affected with ADAMTS18-related conditions. Algorithms developed to predict the effect of missense changes on protein structure and function are either unavailable or do not agree on the potential impact of this missense change (SIFT: "Not Available"; PolyPhen-2: "Benign"; Align-GVGD: "Not Available"). In summary, the available evidence is currently insufficient to determine the role of this variant in disease. Therefore, it has been classified as a Variant of Uncertain Significance.

Dr. Peter K. Rogan Lab, Western University
No classification provided (evidence only). Condition: Clear cell carcinoma of kidney. Review status: no classification provided. Collection method: in vitro. Allele origin: not applicable. Functional consequence: retained intron. Not counted in ClinVar's aggregate classification.